The following is an entry in ClinVar:

ClinVar aggregate classification (germline): Uncertain significance (1 of 4 stars; one submission).

Conditions:
Dilated cardiomyopathy 1HH (CMD1HH). Identifiers: Orphanet 154, MedGen C3151293, MONDO:0013479, OMIM 613881.
Myofibrillar myopathy 6. Identifiers: Orphanet 199340, MedGen C2751831, MONDO:0013061, OMIM 612954.

Allele frequency attached by ClinVar (database versions not stated): gnomAD exomes below 0.00001; TOPMed below 0.00001; gnomAD 0.00001.

Submission:

Labcorp Genetics (formerly Invitae), Labcorp
Classification: Uncertain significance for Dilated cardiomyopathy 1HH; Myofibrillar myopathy 6. Last evaluated: 2023-01-23. Review status: criteria provided, single submitter. Criteria: Invitae Variant Classification Sherloc (09022015). Collection method: clinical testing. Allele origin: germline.
Comment: This sequence change replaces methionine, which is neutral and non-polar, with valine, which is neutral and non-polar, at codon 306 of the BAG3 protein (p.Met306Val). This variant is present in population databases (no rsID available, gnomAD 0.006%). Advanced modeling of protein sequence and biophysical properties (such as structural, functional, and spatial information, amino acid conservation, physicochemical variation, residue mobility, and thermodynamic stability) performed at Invitae indicates that this missense variant is not expected to disrupt BAG3 protein function. This variant has not been reported in the literature in individuals affected with BAG3-related conditions. In summary, the available evidence is currently insufficient to determine the role of this variant in disease. Therefore, it has been classified as a Variant of Uncertain Significance.

NM_004281.4(BAG3):c.916A>G (p.Met306Val)

Gene: BAG3 (BAG cochaperone 3; plus strand). Cytogenetic location: 10q26.11.
Variant type: single nucleotide variant.
Coding change: c.916A>G on transcript NM_004281.4 (MANE Select); coding-DNA position 916, A replaced by G.
Protein change: p.Met306Val; replaces methionine 306 with valine.
Molecular consequence: missense variant.
Genome position (GRCh38, 1-based): chr10:119,676,470, A>G. VCF-style: chr10-119676470-A-G. GRCh37 (hg19) VCF-style: chr10-121435982-A-G.
Other names: short protein forms M306V.
Identifiers: ClinVar variation 2940380 (VCV002940380.3), dbSNP rs1432019724, ClinGen allele CA378296257.